The following is an entry in ClinVar:

NM_144997.7(FLCN):c.919del (p.Glu307fs)

Gene: FLCN (folliculin; minus strand). Cytogenetic location: 17p11.2.
Variant type: Deletion.
Coding change: c.919del on transcript NM_144997.7 (MANE Select); coding-DNA position 919, one base deleted (G; older notation c.919delG).
Protein change: p.Glu307fs; shifts the reading frame from glutamic acid 307.
Molecular consequence: frameshift variant.
Genome position (GRCh38, 1-based): chr17:17,219,162, C deleted on the plus strand (G on the coding strand, the reverse complement: FLCN is on the minus strand); the first of 2 consecutive C bases (chr17:17,219,162-17,219,163); deleting either gives the same sequence. VCF-style (leftmost placement, unchanged base first): chr17-17219161-TC-T. GRCh37 (hg19) VCF-style: chr17-17122475-TC-T.
Other names: c.973del, p.Glu325fs (NM_001353229.2); c.919del, p.Glu307fs (NM_001353230.2, NM_001353231.2); short protein forms E307fs, E325fs.
Identifiers: ClinVar variation 1382685 (VCV001382685.6), dbSNP rs2144897537, ClinGen allele CA2573153091.

ClinVar aggregate classification (germline): Pathogenic (1 of 4 stars; one submission).

Conditions:
Birt-Hogg-Dube syndrome. Also called: Birt Hogg Dubé syndrome. Identifiers: Orphanet 122, MedGen C0346010, MONDO:0800444.

Submission:

Labcorp Genetics (formerly Invitae), Labcorp
Classification: Pathogenic for Birt-Hogg-Dube syndrome. Last evaluated: 2023-03-04. Review status: criteria provided, single submitter. Criteria: Invitae Variant Classification Sherloc (09022015). Collection method: clinical testing. Allele origin: germline.
Comment: For these reasons, this variant has been classified as Pathogenic. ClinVar contains an entry for this variant (Variation ID: 1382685). This variant has not been reported in the literature in individuals affected with FLCN-related conditions. This variant is not present in population databases (gnomAD no frequency). This sequence change creates a premature translational stop signal (p.Glu307Argfs*16) in the FLCN gene. It is expected to result in an absent or disrupted protein product. Loss-of-function variants in FLCN are known to be pathogenic (PMID: 15852235).

Literature cited by the submitters: PubMed 15852235.